The following is an entry in ClinVar:

ClinVar aggregate classification (germline): Likely benign. Review status: criteria provided, multiple submitters, no conflicts (2 of 4 stars). 2 submissions from 2 submitters: Likely benign (2). Last evaluated 2025-09-08.

Conditions:
Congenital disorder of glycosylation type 1E (CDG1E). Also called: CDG Ie; CONGENITAL DISORDER OF GLYCOSYLATION, TYPE Ie. Identifiers: Orphanet 79322, MedGen C1837396, MONDO:0012123, OMIM 608799.

Allele frequency attached by ClinVar (database versions not stated): gnomAD exomes 0.00002 and 0.00005; TOPMed 0.00002; ExAC 0.00003; gnomAD 0.00003.
gnomAD v4.1: 69 of 1,612,048 alleles (0.0043%); highest among the groups gnomAD compares: Non-Finnish European, 0.0057%; no homozygotes.

Submissions (2):

Labcorp Genetics (formerly Invitae), Labcorp
Classification: Likely benign for Congenital disorder of glycosylation type 1E. Last evaluated: 2025-09-08. Review status: criteria provided, single submitter. Criteria: Invitae Variant Classification Sherloc (09022015). Collection method: clinical testing. Allele origin: germline.

GeneDx
Classification: Likely benign. Last evaluated: 2018-04-04. Review status: criteria provided, single submitter. Criteria: GeneDx Variant Classification (06012015). Collection method: clinical testing. Allele origin: germline. Affected: yes.
Comment: This variant is considered likely benign or benign based on one or more of the following criteria: it is a conservative change, it occurs at a poorly conserved position in the protein, it is predicted to be benign by multiple in silico algorithms, and/or has population frequency not consistent with disease.

NM_003859.3(DPM1):c.161+17C>T

Genes: DPM1 (dolichyl-phosphate mannosyltransferase subunit 1, catalytic; minus strand), LOC130066166 (ATAC-STARR-seq lymphoblastoid active region 18108; plus strand). Cytogenetic location: 20q13.13.
Variant type: single nucleotide variant.
Coding change: c.161+17C>T on transcript NM_003859.3 (MANE Select); 17 bases into the intron after coding-DNA position 161, C replaced by T.
Molecular consequence: intron variant.
Genome position (GRCh38, 1-based): chr20:50,958,346, G>A on the plus strand (C>T on the coding strand, the complement: DPM1 is on the minus strand). VCF-style: chr20-50958346-G-A. GRCh37 (hg19) VCF-style: chr20-49574883-G-A.
Other names: c.161+17C>T (NM_001317036.1, NM_001317035.1, NM_001317034.1).
Identifiers: ClinVar variation 681551 (VCV000681551.9), dbSNP rs777976660, ClinGen allele CA9909222.